The following is an entry in ClinVar:

NM_022916.6(VPS33A):c.488G>A (p.Cys163Tyr)

Gene: VPS33A (VPS33A core subunit of CORVET and HOPS complexes; minus strand). Cytogenetic location: 12q24.31.
Variant type: single nucleotide variant.
Coding change: c.488G>A on transcript NM_022916.6 (MANE Select); coding-DNA position 488, G replaced by A.
Protein change: p.Cys163Tyr; replaces cysteine 163 with tyrosine.
Molecular consequence: missense variant.
Genome position (GRCh38, 1-based): chr12:122,251,095, C>T on the plus strand (G>A on the coding strand, the complement: VPS33A is on the minus strand). VCF-style: chr12-122251095-C-T. GRCh37 (hg19) VCF-style: chr12-122735642-C-T.
Other names: c.455G>A, p.Cys152Tyr (NM_001351018.2); c.440G>A, p.Cys147Tyr (NM_001351019.2); c.488G>A, p.Cys163Tyr (NM_001351020.2); short protein forms C147Y, C163Y, C152Y.
Identifiers: ClinVar variation 1389015 (VCV001389015.5), dbSNP rs149732743, ClinGen allele CA6844581.

ClinVar aggregate classification (germline): Uncertain significance (1 of 4 stars; one submission).

Allele frequency attached by ClinVar (database versions not stated): ExAC 0.00004; ESP Exome Variant Server 0.00008; gnomAD 0.00010 and 0.00011; TOPMed 0.00011.

Submission:

Labcorp Genetics (formerly Invitae), Labcorp
Classification: Uncertain significance. Last evaluated: 2025-01-06. Review status: criteria provided, single submitter. Criteria: Invitae Variant Classification Sherloc (09022015). Collection method: clinical testing. Allele origin: germline.
Comment: This sequence change replaces cysteine, which is neutral and slightly polar, with tyrosine, which is neutral and polar, at codon 163 of the VPS33A protein (p.Cys163Tyr). This variant is present in population databases (rs149732743, gnomAD 0.01%). This variant has not been reported in the literature in individuals affected with VPS33A-related conditions. ClinVar contains an entry for this variant (Variation ID: 1389015). Invitae Evidence Modeling of protein sequence and biophysical properties (such as structural, functional, and spatial information, amino acid conservation, physicochemical variation, residue mobility, and thermodynamic stability) indicates that this missense variant is not expected to disrupt VPS33A protein function with a negative predictive value of 80%. In summary, the available evidence is currently insufficient to determine the role of this variant in disease. Therefore, it has been classified as a Variant of Uncertain Significance.